The following is an entry in ClinVar:

ClinVar aggregate classification (germline): Uncertain significance. Review status: reviewed by expert panel (3 of 4 stars). 2 submissions from 2 submitters: Uncertain significance (1). 1 of the submissions does not count toward it. Last evaluated 2024-08-12.

Conditions:
Hereditary thrombocytopenia and hematologic cancer predisposition syndrome. Identifiers: Orphanet 71290, MedGen CN281654, MONDO:0011071.
Hereditary thrombocytopenia and hematological cancer predisposition syndrome associated with RUNX1. Also called: PLATELET DISORDER, ASPIRIN-LIKE; Familial Platelet Disorder with Propensity to Acute Myelogenous Leukemia; Familial thrombocytopenia with propensity to acute myelogenous leukemia; RUNX1 Familial Platelet Disorder with Associated Myeloid Malignancies. Identifiers: Orphanet 71290, MedGen C1832388, MeSH C563324, MONDO:0100083, OMIM 601399.

Allele frequency attached by ClinVar (database versions not stated): gnomAD exomes below 0.00001.

Submissions (2):

ClinGen Myeloid Malignancy Variant Curation Expert Panel
Classification: Uncertain significance for Hereditary thrombocytopenia and hematologic cancer predisposition syndrome. Last evaluated: 2024-08-12. Review status: reviewed by expert panel. Criteria: ClinGen MyeloMalig ACMG Specifications v2. Collection method: curation. Allele origin: germline. Inheritance: Autosomal dominant inheritance.
Comment: NM_001754.5(RUNX1):c.1019C>T (p.Pro340Leu) is a missense variant which is absent from gnomAD v2 and v3 (PM2_Supporting) but also has not been reported in the literature. The computational predictor REVEL gives a score of 0.255, which is below the threshold of 0.50, and the splice site predictor SpliceAI indicated that the variant has no impact on splicing, evidence that does not predict a damaging effect on RUNX1 function (BP4). In summary, this variant meets the criteria to be classified as a VUS for autosomal dominant hereditary thrombocytopenia and hematologic cancer predisposition syndrome based on the ACMG/AMP criteria applied, as specified by the ClinGen Myeloid Malignancy VCEP: PM2_Supporting and BP4.

Labcorp Genetics (formerly Invitae), Labcorp
Classification: Uncertain significance for Hereditary thrombocytopenia and hematological cancer predisposition syndrome associated with RUNX1. Last evaluated: 2023-12-14. Review status: criteria provided, single submitter. Criteria: Invitae Variant Classification Sherloc (09022015). Collection method: clinical testing. Allele origin: germline. Not counted in ClinVar's aggregate classification.
Comment: This sequence change replaces proline, which is neutral and non-polar, with leucine, which is neutral and non-polar, at codon 340 of the RUNX1 protein (p.Pro340Leu). This variant is not present in population databases (gnomAD no frequency). This variant has not been reported in the literature in individuals affected with RUNX1-related conditions. ClinVar contains an entry for this variant (Variation ID: 1055398). Advanced modeling of protein sequence and biophysical properties (such as structural, functional, and spatial information, amino acid conservation, physicochemical variation, residue mobility, and thermodynamic stability) performed at Invitae indicates that this missense variant is not expected to disrupt RUNX1 protein function with a negative predictive value of 80%. In summary, the available evidence is currently insufficient to determine the role of this variant in disease. Therefore, it has been classified as a Variant of Uncertain Significance.

NM_001754.5(RUNX1):c.1019C>T (p.Pro340Leu)

Gene: RUNX1 (RUNX family transcription factor 1; minus strand). Cytogenetic location: 21q22.12.
Variant type: single nucleotide variant.
Coding change: c.1019C>T on transcript NM_001754.5 (MANE Select); coding-DNA position 1019, C replaced by T.
Protein change: p.Pro340Leu; replaces proline 340 with leucine.
Molecular consequence: missense variant.
Genome position (GRCh38, 1-based): chr21:34,792,559, G>A on the plus strand (C>T on the coding strand, the complement: RUNX1 is on the minus strand). VCF-style: chr21-34792559-G-A. GRCh37 (hg19) VCF-style: chr21-36164856-G-A.
Other names: NM_001754.5(RUNX1):c.1019C>T; p.Pro340Leu; c.938C>T, p.Pro313Leu (NM_001001890.3); short protein forms P313L, P340L.
Identifiers: ClinVar variation 1055398 (VCV001055398.10), dbSNP rs2145877800, ClinGen allele CA410148557.